The following is an entry in ClinVar:

ClinVar aggregate classification (germline): Uncertain significance. Review status: criteria provided, multiple submitters, no conflicts (2 of 4 stars). 2 submissions from 2 submitters: Uncertain significance (2). Last evaluated 2025-05-23.

Conditions:
TUB-related disorder. Also called: TUB-related condition.

Submissions (2):

PreventionGenetics, part of Exact Sciences
Classification: Uncertain significance for TUB-related condition. Last evaluated: 2025-05-23. Review status: criteria provided, single submitter. Criteria: ACMG Guidelines, 2015. Collection method: clinical testing. Allele origin: germline.
Comment: The TUB c.1066G>C variant is predicted to result in the amino acid substitution p.Gly356Arg. To our knowledge, this variant has not been reported in the literature or in a large population database (gnomAD), indicating this variant is rare. At this time, the clinical significance of this variant is uncertain due to the absence of conclusive functional and genetic evidence.

Labcorp Genetics (formerly Invitae), Labcorp
Classification: Uncertain significance. Last evaluated: 2022-02-14. Review status: criteria provided, single submitter. Criteria: Invitae Variant Classification Sherloc (09022015). Collection method: clinical testing. Allele origin: germline.
Comment: In summary, the available evidence is currently insufficient to determine the role of this variant in disease. Therefore, it has been classified as a Variant of Uncertain Significance. Algorithms developed to predict the effect of missense changes on protein structure and function (SIFT, PolyPhen-2, Align-GVGD) all suggest that this variant is likely to be disruptive. This variant has not been reported in the literature in individuals affected with TUB-related conditions. This variant is not present in population databases (gnomAD no frequency). This sequence change replaces glycine, which is neutral and non-polar, with arginine, which is basic and polar, at codon 356 of the TUB protein (p.Gly356Arg).

NM_177972.3(TUB):c.901G>C (p.Gly301Arg)

Genes: RIC3 (RIC3 acetylcholine receptor chaperone; minus strand), TUB (TUB bipartite transcription factor; plus strand). Cytogenetic location: 11p15.4.
Variant type: single nucleotide variant.
Coding change: c.901G>C on transcript NM_177972.3 (MANE Select); coding-DNA position 901, G replaced by C.
Protein change: p.Gly301Arg; replaces glycine 301 with arginine.
Molecular consequence: missense variant.
Genome position (GRCh38, 1-based): chr11:8,097,729, G>C. VCF-style: chr11-8097729-G-C. GRCh37 (hg19) VCF-style: chr11-8119276-G-C.
Other names: c.1066G>C (NM_003320.4); c.1066G>C, p.Gly356Arg (NM_003320.5); short protein forms G301R, G356R.
Identifiers: ClinVar variation 2097727 (VCV002097727.5), dbSNP rs2539256387, ClinGen allele CA379569510.